The following is an entry in ClinVar:

ClinVar aggregate classification (germline): Pathogenic (1 of 4 stars; one submission).

Submission:

Labcorp Genetics (formerly Invitae), Labcorp
Classification: Pathogenic. Last evaluated: 2022-10-28. Review status: criteria provided, single submitter. Criteria: Invitae Variant Classification Sherloc (09022015). Collection method: clinical testing. Allele origin: germline.
Comment: ClinVar contains an entry for this variant (Variation ID: 846271). Disruption of this splice site has been observed in individuals with retinal dystrophy (PMID: 25356976, 31736247). This variant is not present in population databases (gnomAD no frequency). This sequence change affects a donor splice site in intron 58 of the USH2A gene. It is expected to disrupt RNA splicing. Variants that disrupt the donor or acceptor splice site typically lead to a loss of protein function (PMID: 16199547), and loss-of-function variants in USH2A are known to be pathogenic (PMID: 10729113, 10909849, 20507924, 25649381). Algorithms developed to predict the effect of sequence changes on RNA splicing suggest that this variant may disrupt the consensus splice site. For these reasons, this variant has been classified as Pathogenic.

Literature cited by the submitters: PubMed 25356976; PubMed 31736247; PubMed 16199547; PubMed 10729113; PubMed 10909849; PubMed 20507924; PubMed 25649381.

NM_206933.4(USH2A):c.11389+2T>C

Gene: USH2A (usherin; minus strand). Cytogenetic location: 1q41.
Variant type: single nucleotide variant.
Coding change: c.11389+2T>C on transcript NM_206933.4 (MANE Select); the canonical splice donor site of the intron after coding-DNA position 11389, T replaced by C.
Molecular consequence: splice donor variant.
Genome position (GRCh38, 1-based): chr1:215,758,593, A>G on the plus strand (T>C on the coding strand, the complement: USH2A is on the minus strand). VCF-style: chr1-215758593-A-G. GRCh37 (hg19) VCF-style: chr1-215931935-A-G.
Identifiers: ClinVar variation 846271 (VCV000846271.10), dbSNP rs1192810508, ClinGen allele CA344820421.